The following is an entry in ClinVar:

NM_014363.6(SACS):c.10983G>A (p.Ala3661=)

Gene: SACS (sacsin molecular chaperone; minus strand). Cytogenetic location: 13q12.12.
Variant type: single nucleotide variant.
Coding change: c.10983G>A on transcript NM_014363.6 (MANE Select); coding-DNA position 10983, G replaced by A.
Protein change: p.Ala3661=; no amino-acid change (alanine 3661 retained).
Molecular consequence: synonymous variant.
Genome position (GRCh38, 1-based): chr13:23,332,893, C>T on the plus strand (G>A on the coding strand, the complement: SACS is on the minus strand). VCF-style: chr13-23332893-C-T. GRCh37 (hg19) VCF-style: chr13-23907032-C-T.
Other names: c.10542G>A, p.Ala3514= (NM_001278055.2).
Identifiers: ClinVar variation 989613 (VCV000989613.32), dbSNP rs200900703, ClinGen allele CA6910356.

ClinVar aggregate classification (germline): Benign/Likely benign. Review status: criteria provided, multiple submitters, no conflicts (2 of 4 stars). 4 submissions from 4 submitters: Benign (1); Likely benign (2). 1 of the submissions does not count toward it. Last evaluated 2024-02-25.

Conditions:
Spastic paraplegia. Identifiers: MedGen C0037772, HP:0001258.
Charlevoix-Saguenay spastic ataxia (SACS). Also called: SPASTIC ATAXIA 6, AUTOSOMAL RECESSIVE; AUTOSOMAL RECESSIVE SPASTIC ATAXIA OF CHARLEVOIX-SAGUENAY; Spastic ataxia of Charlevoix-Saguenay. Identifiers: Orphanet 98, MedGen C1849140, MONDO:0010041, OMIM 270550.

Allele frequency attached by ClinVar (database versions not stated): TOPMed 0.00006; ESP Exome Variant Server 0.00008; 1000 Genomes Project 30x 0.00016; 1000 Genomes Project 0.00020; gnomAD exomes 0.00002 and 0.00003; gnomAD 0.00004; ExAC 0.00005.
gnomAD v4.1: 40 of 1,613,830 alleles (0.0025%); highest among the groups gnomAD compares: African/African-American, 0.0053%; no homozygotes.

Submissions (4):

Labcorp Genetics (formerly Invitae), Labcorp
Classification: Benign for Spastic paraplegia. Last evaluated: 2024-02-25. Review status: criteria provided, single submitter. Criteria: Invitae Variant Classification Sherloc (09022015). Collection method: clinical testing. Allele origin: germline.

CeGaT Center for Human Genetics Tuebingen
Classification: Likely benign. Last evaluated: 2022-04-01. Review status: criteria provided, single submitter. Criteria: CeGaT Center For Human Genetics Tuebingen Variant Classification Criteria Version 2. Collection method: clinical testing. Allele origin: germline. Affected: yes. Observed: 1 variant allele.
Comment: SACS: BP4, BP7

Athena Diagnostics
Classification: Likely benign. Last evaluated: 2021-01-13. Review status: criteria provided, single submitter. Criteria: Athena Diagnostics criteria. Collection method: clinical testing. Allele origin: unknown.

Natera, Inc.
Classification: Uncertain significance for Charlevoix-Saguenay type spastic ataxia. Last evaluated: 2020-04-17. Review status: no assertion criteria provided. Collection method: clinical testing. Allele origin: germline. Not counted in ClinVar's aggregate classification.